The following is an entry in ClinVar:

NM_198578.4(LRRK2):c.7139C>T (p.Thr2380Ile)

Gene: LRRK2 (leucine rich repeat kinase 2; plus strand). Cytogenetic location: 12q12.
Variant type: single nucleotide variant.
Coding change: c.7139C>T on transcript NM_198578.4 (MANE Select); coding-DNA position 7139, C replaced by T.
Protein change: p.Thr2380Ile; replaces threonine 2380 with isoleucine.
Molecular consequence: missense variant.
Genome position (GRCh38, 1-based): chr12:40,363,512, C>T. VCF-style: chr12-40363512-C-T. GRCh37 (hg19) VCF-style: chr12-40757314-C-T.
Other names: short protein forms T2380I.
Identifiers: ClinVar variation 3229774 (VCV003229774.1), dbSNP rs2500027574, ClinGen allele CA384413499.

ClinVar aggregate classification (germline): Uncertain significance (1 of 4 stars; one submission).

Conditions:
Inborn genetic diseases. Identifiers: MedGen C0950123, MeSH D030342.

Allele frequency attached by ClinVar (database versions not stated): gnomAD exomes below 0.00001.
gnomAD v4.1: 1 of 1,611,888 alleles (0.000062%); highest among the groups gnomAD compares: Non-Finnish European, 0.000085%; no homozygotes.

Submission:

Ambry Genetics
Classification: Uncertain significance for Inborn genetic diseases. Last evaluated: 2023-11-23. Review status: criteria provided, single submitter. Criteria: Ambry Variant Classification Scheme 2023. Collection method: clinical testing. Allele origin: germline.
Comment: The p.T2380I variant (also known as c.7139C>T), located in coding exon 48 of the LRRK2 gene, results from a C to T substitution at nucleotide position 7139. The threonine at codon 2380 is replaced by isoleucine, an amino acid with similar properties. This amino acid position is conserved. In addition, the in silico prediction for this alteration is inconclusive. Since supporting evidence is limited at this time, the clinical significance of this alteration remains unclear.